The following is an entry in ClinVar:

NM_004168.4(SDHA):c.1144G>A (p.Gly382Ser)

Gene: SDHA (succinate dehydrogenase complex flavoprotein subunit A; plus strand). Cytogenetic location: 5p15.33.
Variant type: single nucleotide variant.
Coding change: c.1144G>A on transcript NM_004168.4 (MANE Select); coding-DNA position 1144, G replaced by A.
Protein change: p.Gly382Ser; replaces glycine 382 with serine.
Molecular consequence: missense variant.
Genome position (GRCh38, 1-based): chr5:235,223, G>A. VCF-style: chr5-235223-G-A. GRCh37 (hg19) VCF-style: chr5-235338-G-A.
Other names: c.1144G>A (NM_004168.2); c.1000G>A, p.Gly334Ser (NM_001294332.2); c.1144G>A, p.Gly382Ser (NM_001330758.2); short protein forms G382S, G334S.
Identifiers: ClinVar variation 539681 (VCV000539681.14), dbSNP rs1272640628, ClinGen allele CA359013541.
Genomic context (GRCh38, chr5:235,223, plus strand): 5'-GATCACGTCTACCTGCAGCTGCACCACCTACCTCCAGAGCAGCTGGCCACGCGCCTGCCT[G>A]GCATTTCAGAGACAGCCATGATCTTCGCTGGCGTGGACGTCACGAAGGAGCCGATCCCTG-3'
Protein context (NP_004159.2, residues 372-392): PPEQLATRLP[Gly382Ser]ISETAMIFAG

ClinVar aggregate classification (germline): Uncertain significance. Review status: criteria provided, multiple submitters, no conflicts (2 of 4 stars). 3 submissions from 3 submitters: Uncertain significance (3). Last evaluated 2025-07-16.

Conditions:
Hereditary cancer-predisposing syndrome. Also called: Neoplastic Syndromes, Hereditary; Tumor predisposition; Hereditary neoplastic syndrome; Hereditary Cancer Syndrome. Identifiers: Orphanet 140162, MedGen C0027672, MeSH D009386, MONDO:0015356.
Mitochondrial complex II deficiency, nuclear type 1. Also called: SUCCINATE CoQ REDUCTASE DEFICIENCY. Identifiers: Orphanet 3208, MedGen C5700310, MONDO:0100294, OMIM 252011.
Pheochromocytoma/paraganglioma syndrome 5. Also called: Paragangliomas 5; SDHA-Related Hereditary Paraganglioma-Pheochromocytoma Syndrome. Identifiers: Orphanet 29072, MedGen C3279992, MONDO:0013602, OMIM 614165.

Allele frequency attached by ClinVar (database versions not stated): TOPMed below 0.00001; gnomAD 0.00001.

Submissions (3):

Ambry Genetics
Classification: Uncertain significance for Hereditary cancer-predisposing syndrome. Last evaluated: 2025-07-16. Review status: criteria provided, single submitter. Criteria: Ambry Variant Classification Scheme 2023. Collection method: clinical testing. Allele origin: germline.
Comment: The p.G382S variant (also known as c.1144G>A), located in coding exon 9 of the SDHA gene, results from a G to A substitution at nucleotide position 1144. The glycine at codon 382 is replaced by serine, an amino acid with similar properties. This amino acid position is conserved. In addition, this alteration is predicted to be deleterious by in silico analysis. Since supporting evidence is limited at this time, the clinical significance of this alteration remains unclear.

GeneDx
Classification: Uncertain significance. Last evaluated: 2025-05-20. Review status: criteria provided, single submitter. Criteria: GeneDx Variant Classification Process June 2021. Collection method: clinical testing. Allele origin: germline. Affected: yes.
Comment: Not observed at significant frequency in large population cohorts (gnomAD); In silico analysis supports that this missense variant has a deleterious effect on protein structure/function; Has not been previously published as pathogenic or benign to our knowledge

Labcorp Genetics (formerly Invitae), Labcorp
Classification: Uncertain significance for Pheochromocytoma/paraganglioma syndrome 5; Mitochondrial complex II deficiency, nuclear type 1. Last evaluated: 2025-01-21. Review status: criteria provided, single submitter. Criteria: Invitae Variant Classification Sherloc (09022015). Collection method: clinical testing. Allele origin: germline.
Comment: This sequence change replaces glycine, which is neutral and non-polar, with serine, which is neutral and polar, at codon 382 of the SDHA protein (p.Gly382Ser). This variant is not present in population databases (gnomAD no frequency). This variant has not been reported in the literature in individuals affected with SDHA-related conditions. ClinVar contains an entry for this variant (Variation ID: 539681). Invitae Evidence Modeling of protein sequence and biophysical properties (such as structural, functional, and spatial information, amino acid conservation, physicochemical variation, residue mobility, and thermodynamic stability) indicates that this missense variant is not expected to disrupt SDHA protein function with a negative predictive value of 95%. In summary, the available evidence is currently insufficient to determine the role of this variant in disease. Therefore, it has been classified as a Variant of Uncertain Significance.